The following is an entry in ClinVar:

ClinVar aggregate classification (germline): Uncertain significance (1 of 4 stars; one submission).

Conditions:
Cardiomyopathy (CMYO). Also called: Cardiomyopathies. Identifiers: Orphanet 167848, MedGen C0878544, MONDO:0004994, HP:0001638. Inheritance: Various modes of inheritance.

Submission:

Color Diagnostics, LLC DBA Color Health
Classification: Uncertain significance for Cardiomyopathy. Last evaluated: 2025-06-29. Review status: criteria provided, single submitter. Criteria: ACMG Guidelines, 2015. Collection method: clinical testing. Allele origin: germline.
Comment: This missense variant replaces leucine with valine at codon 422 of the DSG2 protein. Computational prediction suggests that this variant may not impact protein structure and function. To our knowledge, functional studies have not been reported for this variant. This variant has not been reported in individuals affected with DSG2-related disorders in the literature. This variant has not been identified in the general population by the Genome Aggregation Database (gnomAD). The available evidence is insufficient to determine the role of this variant in disease conclusively. Therefore, this variant is classified as a Variant of Uncertain Significance.

NM_001943.5(DSG2):c.1264C>G (p.Leu422Val)

Gene: DSG2 (desmoglein 2; plus strand). Cytogenetic location: 18q12.1.
Variant type: single nucleotide variant.
Coding change: c.1264C>G on transcript NM_001943.5 (MANE Select); coding-DNA position 1264, C replaced by G.
Protein change: p.Leu422Val; replaces leucine 422 with valine.
Molecular consequence: missense variant.
Genome position (GRCh38, 1-based): chr18:31,531,236, C>G. VCF-style: chr18-31531236-C-G. GRCh37 (hg19) VCF-style: chr18-29111199-C-G.
Other names: short protein forms L422V.
Identifiers: ClinVar variation 4757003 (VCV004757003.1).